The following is an entry in ClinVar:

NM_001374736.1(DST):c.14162C>T (p.Thr4721Ile)

Genes: DST (dystonin; minus strand), LOC129389544 (MPRA-validated peak5860 silencer; plus strand). Cytogenetic location: 6p12.1.
Variant type: single nucleotide variant.
Coding change: c.14162C>T on transcript NM_001374736.1 (MANE Select); coding-DNA position 14162, C replaced by T.
Protein change: p.Thr4721Ile; replaces threonine 4721 with isoleucine.
Molecular consequence: missense variant.
Genome position (GRCh38, 1-based): chr6:56,561,456, G>A on the plus strand (C>T on the coding strand, the complement: DST is on the minus strand). VCF-style: chr6-56561456-G-A. GRCh37 (hg19) VCF-style: chr6-56426254-G-A.
Other names: c.7805C>T, p.Thr2602Ile (NM_001144769.5); c.7391C>T, p.Thr2464Ile (NM_001144770.2); c.14162C>T, p.Thr4721Ile (NM_001374722.1); c.13529C>T, p.Thr4510Ile (NM_001374729.1); c.7271C>T, p.Thr2424Ile (NM_001374730.1, NM_001386100.1, NM_183380.4); c.14189C>T, p.Thr4730Ile (NM_001374734.1); c.6293C>T, p.Thr2098Ile (NM_015548.5); short protein forms T2424I, T4730I, T2602I, T4721I, T2098I, T2464I, T4510I.
Identifiers: ClinVar variation 1045283 (VCV001045283.7), dbSNP rs1562806934, ClinGen allele CA364522803.

ClinVar aggregate classification (germline): Uncertain significance (1 of 4 stars; one submission).

Conditions:
Hereditary sensory and autonomic neuropathy type 6. Also called: Neuropathy, hereditary sensory and autonomic, type VI; HSAN VI. Identifiers: Orphanet 314381, MedGen C3539003, MONDO:0013839, OMIM 614653.
Epidermolysis bullosa simplex 3, localized or generalized intermediate, with BP230 deficiency (EBS3). Also called: Epidermolysis bullosa simplex, autosomal recessive 2; Epidermolysis bullosa simplex due to BP230 deficiency. Identifiers: Orphanet 412181, MedGen C3809470, MONDO:0014180, OMIM 615425.

Submission:

Labcorp Genetics (formerly Invitae), Labcorp
Classification: Uncertain significance for Epidermolysis bullosa simplex 3, localized or generalized intermediate, with BP230 deficiency; Hereditary sensory and autonomic neuropathy type 6. Last evaluated: 2020-02-05. Review status: criteria provided, single submitter. Criteria: Invitae Variant Classification Sherloc (09022015). Collection method: clinical testing. Allele origin: germline.
Comment: In summary, the available evidence is currently insufficient to determine the role of this variant in disease. Therefore, it has been classified as a Variant of Uncertain Significance. Experimental studies and prediction algorithms are not available or were not evaluated, and the functional significance of this variant is currently unknown. This variant has not been reported in the literature in individuals with DST-related conditions. This variant is not present in population databases (ExAC no frequency). This sequence change replaces threonine with isoleucine at codon 2098 of the DST protein (p.Thr2098Ile). The threonine residue is weakly conserved and there is a moderate physicochemical difference between the two amino acids. The DST gene has multiple clinically relevant transcripts. This variant occurs in alternate transcript NM_015548.4, and corresponds to c.*54061C>T in the primary transcript.